The following is an entry in ClinVar:

NM_001370298.3(FGD4):c.1953+7C>G

Gene: FGD4 (FYVE, RhoGEF and PH domain containing 4; plus strand). Cytogenetic location: 12p11.21.
Variant type: single nucleotide variant.
Coding change: c.1953+7C>G on transcript NM_001370298.3 (MANE Select); 7 bases into the intron after coding-DNA position 1953, C replaced by G.
Molecular consequence: intron variant.
Genome position (GRCh38, 1-based): chr12:32,624,459, C>G. VCF-style: chr12-32624459-C-G. GRCh37 (hg19) VCF-style: chr12-32777393-C-G.
Other names: c.1953+7C>G (NM_001384126.1); c.1797+7C>G (NM_001304481.2); c.1263+7C>G (NM_001330374.2, NM_001330373.2, NM_001384130.1); c.1542+7C>G (NM_139241.3, NM_001384127.1, NM_001385118.1 and 1 more transcripts); c.510+7C>G (NM_001304484.2); c.990+7C>G (NM_001370297.1); c.798+7C>G (NM_001304483.2).
Identifiers: ClinVar variation 1624626 (VCV001624626.9), dbSNP rs1408854259, ClinGen allele CA687450688.

ClinVar aggregate classification (germline): Likely benign. Review status: criteria provided, multiple submitters, no conflicts (2 of 4 stars). 2 submissions from 2 submitters: Likely benign (2). Last evaluated 2026-07-29.

Conditions:
Charcot-Marie-Tooth disease type 4. Also called: Charcot-Marie-Tooth disease, type IV; Charcot-Marie-Tooth, Type 4. Identifiers: Orphanet 64749, MedGen C4082197, MONDO:0018995.
FGD4-related disorder. Also called: FGD4-related condition.

gnomAD v4.1: 4 of 1,596,512 alleles (0.00025%); highest among the groups gnomAD compares: Non-Finnish European, 0.00034%; no homozygotes.

Submissions (2):

PreventionGenetics, part of Exact Sciences
Classification: Likely benign for FGD4-related condition. Last evaluated: 2026-07-29. Review status: criteria provided, single submitter. Criteria: ACMG Guidelines, 2015. Collection method: clinical testing. Allele origin: germline.
Comment: This variant is classified as likely benign based on ACMG/AMP sequence variant interpretation guidelines (Richards et al. 2015 PMID: 25741868, with internal and published modifications).

Labcorp Genetics (formerly Invitae), Labcorp
Classification: Likely benign for Charcot-Marie-Tooth disease type 4. Last evaluated: 2024-01-20. Review status: criteria provided, single submitter. Criteria: Invitae Variant Classification Sherloc (09022015). Collection method: clinical testing. Allele origin: germline.